The following is an entry in ClinVar:

ClinVar aggregate classification (germline): Uncertain significance (1 of 4 stars; one submission).

Submission:

Labcorp Genetics (formerly Invitae), Labcorp
Classification: Uncertain significance. Last evaluated: 2025-04-11. Review status: criteria provided, single submitter. Criteria: Invitae Variant Classification Sherloc (09022015). Collection method: clinical testing. Allele origin: germline.
Comment: This variant, c.2019_2020delinsCA, is a complex sequence change that results in the deletion of 2 and insertion of 2 amino acid(s) in the SULF1 protein (p.Glu673_Glu674delinsAspLys). Information on the frequency of this variant in the gnomAD database is not available, as this variant may be reported differently in the database. This variant has not been reported in the literature in individuals affected with SULF1-related conditions. ClinVar contains an entry for this variant (Variation ID: 1396871). Experimental studies and prediction algorithms are not available or were not evaluated, and the functional significance of this variant is currently unknown. In summary, the available evidence is currently insufficient to determine the role of this variant in disease. Therefore, it has been classified as a Variant of Uncertain Significance.

NM_001128205.2(SULF1):c.2019_2020delinsCA (p.Glu673_Glu674delinsAspLys)

Gene: SULF1 (sulfatase 1; plus strand). Cytogenetic location: 8q13.3.
Variant type: Indel.
Coding change: c.2019_2020delinsCA on transcript NM_001128205.2 (MANE Select); coding-DNA positions 2019 to 2020, GG replaced by CA.
Protein change: p.Glu673_Glu674delinsAspLys.
Molecular consequence: missense variant. On other transcripts: non-coding transcript variant (3).
Genome position (GRCh38, 1-based): chr8:69,627,843-69,627,844, GG replaced by CA. VCF-style: chr8-69627843-GG-CA. GRCh37 (hg19) VCF-style: chr8-70540078-GG-CA.
Other names: c.2019_2020delinsCA, p.Glu673_Glu674delinsAspLys (NM_001128204.2, NM_001128206.2, NM_015170.3).
Identifiers: ClinVar variation 1396871 (VCV001396871.6), dbSNP rs2130601435, ClinGen allele CA2573143300.
Genomic context (GRCh38, chr8:69,627,843, plus strand): 5'-GCAAGATAAAATTAAGAATTTAAGAGAAGTGAGAGGACATCTGAAGAGAAGGAAGCCTGA[GG>CA]AATGTAGCTGCAGTAAACAAAGGTGAGCTTGTTTCCATCCATGCTCCACTTTCCAAATTC-3'